The following is an entry in ClinVar:

ClinVar aggregate classification (germline): Uncertain significance (1 of 4 stars; one submission).

Conditions:
EGFR-related lung cancer (EGFR). Identifiers: MedGen CN130014.

Submission:

Labcorp Genetics (formerly Invitae), Labcorp
Classification: Uncertain significance for EGFR-related lung cancer. Last evaluated: 2023-08-09. Review status: criteria provided, single submitter. Criteria: Invitae Variant Classification Sherloc (09022015). Collection method: clinical testing. Allele origin: germline.
Comment: This sequence change replaces alanine, which is neutral and non-polar, with aspartic acid, which is acidic and polar, at codon 653 of the EGFR protein (p.Ala653Asp). This variant is not present in population databases (gnomAD no frequency). This variant has not been reported in the literature in individuals affected with EGFR-related conditions. Advanced modeling of protein sequence and biophysical properties (such as structural, functional, and spatial information, amino acid conservation, physicochemical variation, residue mobility, and thermodynamic stability) performed at Invitae indicates that this missense variant is not expected to disrupt EGFR protein function. In summary, the available evidence is currently insufficient to determine the role of this variant in disease. Therefore, it has been classified as a Variant of Uncertain Significance.

NM_005228.5(EGFR):c.1958C>A (p.Ala653Asp)

Gene: EGFR (epidermal growth factor receptor; plus strand). Cytogenetic location: 7p11.2.
Variant type: single nucleotide variant.
Coding change: c.1958C>A on transcript NM_005228.5 (MANE Select); coding-DNA position 1958, C replaced by A.
Protein change: p.Ala653Asp; replaces alanine 653 with aspartic acid.
Molecular consequence: missense variant.
Genome position (GRCh38, 1-based): chr7:55,173,021, C>A. VCF-style: chr7-55173021-C-A. GRCh37 (hg19) VCF-style: chr7-55240714-C-A.
Other names: c.1823C>A, p.Ala608Asp (NM_001346897.2, NM_001346899.2); c.1958C>A, p.Ala653Asp (NM_001346898.2); c.1799C>A, p.Ala600Asp (NM_001346900.2); c.1157C>A, p.Ala386Asp (NM_001346941.2); short protein forms A653D, A600D, A386D, A608D.
Identifiers: ClinVar variation 3021040 (VCV003021040.3), dbSNP rs2128952465, ClinGen allele CA367582980.